The following is an entry in ClinVar:

NM_015533.4(TKFC):c.770A>C (p.Gln257Pro)

Gene: TKFC (triokinase and FMN cyclase; plus strand). Cytogenetic location: 11q12.2.
Variant type: single nucleotide variant.
Coding change: c.770A>C on transcript NM_015533.4 (MANE Select); coding-DNA position 770, A replaced by C.
Protein change: p.Gln257Pro; replaces glutamine 257 with proline.
Molecular consequence: missense variant.
Genome position (GRCh38, 1-based): chr11:61,342,653, A>C. VCF-style: chr11-61342653-A-C. GRCh37 (hg19) VCF-style: chr11-61110125-A-C.
Other names: c.770A>C, p.Gln257Pro (NM_001351976.2, NM_001351977.2, NM_001351978.2 and 1 more transcripts); c.560A>C, p.Gln187Pro (NM_001351980.2); short protein forms Q187P, Q257P.
Identifiers: ClinVar variation 2358414 (VCV002358414.4), dbSNP rs147407889, ClinGen allele CA6033827.

ClinVar aggregate classification (germline): Uncertain significance. Review status: criteria provided, multiple submitters, no conflicts (2 of 4 stars). 2 submissions from 2 submitters: Uncertain significance (2). Last evaluated 2026-05-06.

Allele frequency attached by ClinVar (database versions not stated): gnomAD exomes 0.00002; ExAC 0.00007; ESP Exome Variant Server 0.00015; gnomAD 0.00019; TOPMed 0.00019; 1000 Genomes Project 0.00040; 1000 Genomes Project 30x 0.00047.
gnomAD v4.1: 59 of 1,614,078 alleles (0.0037%); highest among the groups gnomAD compares: African/African-American, 0.076%; no homozygotes.

Submissions (2):

Greenwood Genetic Center Diagnostic Laboratories, Greenwood Genetic Center
Classification: Uncertain significance. Last evaluated: 2026-05-06. Review status: criteria provided, single submitter. Criteria: ACMG Guidelines, 2015. Collection method: clinical testing. Allele origin: germline.
Comment: PM2, BP4

Ambry Genetics
Classification: Uncertain significance. Last evaluated: 2025-06-07. Review status: criteria provided, single submitter. Criteria: Ambry Variant Classification Scheme 2023. Collection method: clinical testing. Allele origin: germline.